The following is an entry in ClinVar:

ClinVar aggregate classification (germline): Uncertain significance (1 of 4 stars; one submission).

Allele frequency attached by ClinVar (database versions not stated): gnomAD exomes below 0.00001.
gnomAD v4.1: 2 of 1,614,154 alleles (0.00012%); highest among the groups gnomAD compares: Non-Finnish European, 0.00017%; no homozygotes.

Submission:

Labcorp Genetics (formerly Invitae), Labcorp
Classification: Uncertain significance. Last evaluated: 2023-07-17. Review status: criteria provided, single submitter. Criteria: Invitae Variant Classification Sherloc (09022015). Collection method: clinical testing. Allele origin: germline.
Comment: This sequence change replaces aspartic acid, which is acidic and polar, with asparagine, which is neutral and polar, at codon 485 of the SLC16A1 protein (p.Asp485Asn). This variant is not present in population databases (gnomAD no frequency). In summary, the available evidence is currently insufficient to determine the role of this variant in disease. Therefore, it has been classified as a Variant of Uncertain Significance. An algorithm developed to predict the effect of missense changes on protein structure and function (PolyPhen-2) suggests that this variant is likely to be tolerated. This variant has not been reported in the literature in individuals affected with SLC16A1-related conditions.

NM_003051.4(SLC16A1):c.1453G>A (p.Asp485Asn)

Gene: SLC16A1 (solute carrier family 16 member 1; minus strand). Cytogenetic location: 1p13.2.
Variant type: single nucleotide variant.
Coding change: c.1453G>A on transcript NM_003051.4 (MANE Select); coding-DNA position 1453, G replaced by A.
Protein change: p.Asp485Asn; replaces aspartic acid 485 with asparagine.
Molecular consequence: missense variant.
Genome position (GRCh38, 1-based): chr1:112,913,941, C>T on the plus strand (G>A on the coding strand, the complement: SLC16A1 is on the minus strand). VCF-style: chr1-112913941-C-T. GRCh37 (hg19) VCF-style: chr1-113456563-C-T.
Other names: c.1453G>A, p.Asp485Asn (NM_001166496.2); short protein forms D485N.
Identifiers: ClinVar variation 3017221 (VCV003017221.3), dbSNP rs2525072505, ClinGen allele CA341826747.